The following is an entry in ClinVar:

ClinVar aggregate classification (germline): Pathogenic (1 of 4 stars; one submission).

Conditions:
Multiple congenital exostosis (EXT). Also called: MULTIPLE CARTILAGINOUS EXOSTOSES; Multiple exostoses; Hereditary multiple exostoses; Hereditary multiple exostosis; Multiple osteochondromas; Hereditary multiple osteochondromas. Identifiers: Orphanet 321, MedGen C0015306, MONDO:0005508, HP:0002762.

Submission:

Labcorp Genetics (formerly Invitae), Labcorp
Classification: Pathogenic for Multiple congenital exostosis. Last evaluated: 2022-09-24. Review status: criteria provided, single submitter. Criteria: Invitae Variant Classification Sherloc (09022015). Collection method: clinical testing. Allele origin: germline.
Comment: This sequence change creates a premature translational stop signal (p.Glu39*) in the EXT1 gene. It is expected to result in an absent or disrupted protein product. Loss-of-function variants in EXT1 are known to be pathogenic (PMID: 10679937, 11391482, 19810120). This variant is not present in population databases (gnomAD no frequency). This premature translational stop signal has been observed in individual(s) with hereditary multiple osteochondromas (PMID: 17589361, 26622573). ClinVar contains an entry for this variant (Variation ID: 951766). For these reasons, this variant has been classified as Pathogenic.

Literature cited by the submitters: PubMed 10679937; PubMed 11391482; PubMed 19810120; PubMed 17589361; PubMed 26622573.

NM_000127.3(EXT1):c.115G>T (p.Glu39Ter)

Gene: EXT1 (exostosin glycosyltransferase 1; minus strand). Cytogenetic location: 8q24.11.
Variant type: single nucleotide variant.
Coding change: c.115G>T on transcript NM_000127.3 (MANE Select); coding-DNA position 115, G replaced by T.
Protein change: p.Glu39Ter; replaces glutamic acid 39 with a stop codon.
Molecular consequence: nonsense.
Genome position (GRCh38, 1-based): chr8:118,110,932, C>A on the plus strand (G>T on the coding strand, the complement: EXT1 is on the minus strand). VCF-style: chr8-118110932-C-A. GRCh37 (hg19) VCF-style: chr8-119123171-C-A.
Other names: short protein forms E39*.
Identifiers: ClinVar variation 951766 (VCV000951766.9), dbSNP rs1817891356, ClinGen allele CA371916570.